The following is an entry in ClinVar:

NM_001458.5(FLNC):c.4051A>T (p.Thr1351Ser)

Gene: FLNC (filamin C; plus strand). Cytogenetic location: 7q32.1.
Variant type: single nucleotide variant.
Coding change: c.4051A>T on transcript NM_001458.5 (MANE Select); coding-DNA position 4051, A replaced by T.
Protein change: p.Thr1351Ser; replaces threonine 1351 with serine.
Molecular consequence: missense variant.
Genome position (GRCh38, 1-based): chr7:128,846,387, A>T. VCF-style: chr7-128846387-A-T. GRCh37 (hg19) VCF-style: chr7-128486441-A-T.
Other names: c.4051A>T, p.Thr1351Ser (NM_001127487.2); short protein forms T1351S.
Identifiers: ClinVar variation 4871471 (VCV004871471.1).

ClinVar aggregate classification (germline): Uncertain significance (1 of 4 stars; one submission).

Conditions:
Cardiovascular phenotype. Identifiers: MedGen CN230736.

Submission:

Ambry Genetics
Classification: Uncertain significance for Cardiovascular phenotype. Last evaluated: 2026-06-09. Review status: criteria provided, single submitter. Criteria: Ambry Variant Classification Scheme 2023. Collection method: clinical testing. Allele origin: germline.
Comment: The p.T1351S variant (also known as c.4051A>T), located in coding exon 23 of the FLNC gene, results from an A to T substitution at nucleotide position 4051. The threonine at codon 1351 is replaced by serine, an amino acid with similar properties. This amino acid position is conserved. In addition, this alteration is predicted to be tolerated by in silico analysis. Based on the available evidence, the clinical significance of this variant remains unclear.